The following is an entry in ClinVar:

ClinVar aggregate classification (germline): Uncertain significance. Review status: criteria provided, multiple submitters, no conflicts (2 of 4 stars). 2 submissions from 2 submitters: Uncertain significance (2). Last evaluated 2026-04-09.

Conditions:
SIX3-related disorder. Also called: SIX3-related condition; SIX3-Related Disorders.

gnomAD v4.1: 4 of 1,589,980 alleles (0.00025%); highest among the groups gnomAD compares: Non-Finnish European, 0.00034%; no homozygotes.

Submissions (2):

PreventionGenetics, part of Exact Sciences
Classification: Uncertain significance for SIX3-related condition. Last evaluated: 2026-04-09. Review status: criteria provided, single submitter. Criteria: ACMG Guidelines, 2015. Collection method: clinical testing. Allele origin: germline.
Comment: The SIX3 c.109G>C variant is predicted to result in the amino acid substitution p.Gly37Arg. To our knowledge, this variant has not been reported in the literature or in a large population database (gnomAD), indicating this variant is rare. At this time, the clinical significance of this variant is uncertain due to the absence of conclusive functional and genetic evidence.

Women's Health and Genetics/Laboratory Corporation of America, LabCorp
Classification: Uncertain significance. Last evaluated: 2025-02-21. Review status: criteria provided, single submitter. Criteria: LabCorp Variant Classification Summary - May 2015. Collection method: clinical testing. Allele origin: germline.
Comment: Variant summary: SIX3 c.109G>C (p.Gly37Arg) results in a non-conservative amino acid change in the encoded protein sequence. Three of five in-silico tools predict a benign effect of the variant on protein function. The variant was absent in 231504 control chromosomes (gnomAD). The available data on variant occurrences in the general population are insufficient to allow any conclusion about variant significance. To our knowledge, no occurrence of c.109G>C in individuals affected with SIX3-Related Disorders and no experimental evidence demonstrating its impact on protein function have been reported. No submitters have cited clinical-significance assessments for this variant to ClinVar. Based on the evidence outlined above, the variant was classified as uncertain significance.

NM_005413.4(SIX3):c.109G>C (p.Gly37Arg)

Gene: SIX3 (SIX homeobox 3; plus strand). Cytogenetic location: 2p21.
Variant type: single nucleotide variant.
Coding change: c.109G>C on transcript NM_005413.4 (MANE Select); coding-DNA position 109, G replaced by C.
Protein change: p.Gly37Arg; replaces glycine 37 with arginine.
Molecular consequence: missense variant.
Genome position (GRCh38, 1-based): chr2:44,942,213, G>C. VCF-style: chr2-44942213-G-C. GRCh37 (hg19) VCF-style: chr2-45169352-G-C.
Other names: c.109G>C (NM_005413.3); short protein forms G37R.
Identifiers: ClinVar variation 3768903 (VCV003768903.2).